The following is an entry in ClinVar:

ClinVar aggregate classification (germline): Uncertain significance (1 of 4 stars; one submission).

Allele frequency attached by ClinVar (database versions not stated): gnomAD 0.00001; TOPMed 0.00001.
gnomAD v4.1: 1 of 1,560,830 alleles (0.000064%); highest among the groups gnomAD compares: African/African-American, 0.0014%; no homozygotes.

Submission:

Labcorp Genetics (formerly Invitae), Labcorp
Classification: Uncertain significance. Last evaluated: 2022-03-19. Review status: criteria provided, single submitter. Criteria: Invitae Variant Classification Sherloc (09022015). Collection method: clinical testing. Allele origin: germline.
Comment: This sequence change replaces glutamine, which is neutral and polar, with histidine, which is basic and polar, at codon 1123 of the CEP250 protein (p.Gln1123His). This variant is present in population databases (no rsID available, gnomAD 0.01%). This variant has not been reported in the literature in individuals affected with CEP250-related conditions. Algorithms developed to predict the effect of missense changes on protein structure and function are either unavailable or do not agree on the potential impact of this missense change (SIFT: "Not Available"; PolyPhen-2: "Benign"; Align-GVGD: "Not Available"). In summary, the available evidence is currently insufficient to determine the role of this variant in disease. Therefore, it has been classified as a Variant of Uncertain Significance.

NM_007186.6(CEP250):c.3369G>C (p.Gln1123His)

Gene: CEP250 (centrosomal protein 250; plus strand). Cytogenetic location: 20q11.22.
Variant type: single nucleotide variant.
Coding change: c.3369G>C on transcript NM_007186.6 (MANE Select); coding-DNA position 3369, G replaced by C.
Protein change: p.Gln1123His; replaces glutamine 1123 with histidine.
Molecular consequence: missense variant.
Genome position (GRCh38, 1-based): chr20:35,497,781, G>C. VCF-style: chr20-35497781-G-C. GRCh37 (hg19) VCF-style: chr20-34085610-G-C.
Other names: c.1473G>C, p.Gln491His (NM_001318219.1); short protein forms Q1123H, Q491H.
Identifiers: ClinVar variation 1363807 (VCV001363807.8), dbSNP rs1454881312, ClinGen allele CA408743891.